The following is an entry in ClinVar:

ClinVar aggregate classification (germline): Uncertain significance (1 of 4 stars; one submission).

Submission:

Labcorp Genetics (formerly Invitae), Labcorp
Classification: Uncertain significance. Last evaluated: 2024-06-22. Review status: criteria provided, single submitter. Criteria: Invitae Variant Classification Sherloc (09022015). Collection method: clinical testing. Allele origin: germline.
Comment: This sequence change replaces proline, which is neutral and non-polar, with alanine, which is neutral and non-polar, at codon 551 of the DTHD1 protein (p.Pro551Ala). This variant is not present in population databases (gnomAD no frequency). This variant has not been reported in the literature in individuals affected with DTHD1-related conditions. An algorithm developed to predict the effect of missense changes on protein structure and function (PolyPhen-2) suggests that this variant is likely to be disruptive. In summary, the available evidence is currently insufficient to determine the role of this variant in disease. Therefore, it has been classified as a Variant of Uncertain Significance.

NM_001170700.3(DTHD1):c.2521C>G (p.Pro841Ala)

Gene: DTHD1 (death domain containing 1; plus strand). Cytogenetic location: 4p14.
Variant type: single nucleotide variant.
Coding change: c.2521C>G on transcript NM_001170700.3 (MANE Select); coding-DNA position 2521, C replaced by G.
Protein change: p.Pro841Ala; replaces proline 841 with alanine.
Molecular consequence: missense variant. On other transcripts: synonymous variant (1), non-coding transcript variant (2).
Genome position (GRCh38, 1-based): chr4:36,343,624, C>G. VCF-style: chr4-36343624-C-G. GRCh37 (hg19) VCF-style: chr4-36345246-C-G.
Other names: c.1651C>G, p.Pro551Ala (NM_001136536.5); c.1530C>G, p.Thr510= (NM_001378435.1); short protein forms P551A, P841A.
Identifiers: ClinVar variation 3675657 (VCV003675657.2).